The following is an entry in ClinVar:

ClinVar aggregate classification (germline): Uncertain significance. Review status: criteria provided, multiple submitters, no conflicts (2 of 4 stars). 2 submissions from 2 submitters: Uncertain significance (2). Last evaluated 2024-07-25.

Allele frequency attached by ClinVar (database versions not stated): gnomAD 0.00003; TOPMed 0.00005; 1000 Genomes Project 30x 0.00031; 1000 Genomes Project 0.00020.
gnomAD v4.1: 71 of 1,614,162 alleles (0.0044%); highest among the groups gnomAD compares: South Asian, 0.035%; no homozygotes.

Submissions (2):

Blueprint Genetics
Classification: Uncertain significance. Last evaluated: 2024-07-25. Review status: criteria provided, single submitter. Criteria: ACMG Guidelines, 2015. Collection method: clinical testing. Allele origin: germline.

Labcorp Genetics (formerly Invitae), Labcorp
Classification: Uncertain significance. Last evaluated: 2022-03-05. Review status: criteria provided, single submitter. Criteria: Invitae Variant Classification Sherloc (09022015). Collection method: clinical testing. Allele origin: germline.
Comment: This sequence change replaces valine, which is neutral and non-polar, with isoleucine, which is neutral and non-polar, at codon 289 of the PPCS protein (p.Val289Ile). This variant is present in population databases (rs182769462, gnomAD 0.01%). This variant has not been reported in the literature in individuals affected with PPCS-related conditions. Algorithms developed to predict the effect of missense changes on protein structure and function output the following: SIFT: "Tolerated"; PolyPhen-2: "Benign"; Align-GVGD: "Class C0". The isoleucine amino acid residue is found in multiple mammalian species, which suggests that this missense change does not adversely affect protein function. In summary, the available evidence is currently insufficient to determine the role of this variant in disease. Therefore, it has been classified as a Variant of Uncertain Significance.

NM_024664.4(PPCS):c.865G>A (p.Val289Ile)

Genes: CCDC30 (coiled-coil domain containing 30; plus strand), PPCS (phosphopantothenoylcysteine synthetase; plus strand). Cytogenetic location: 1p34.2.
Variant type: single nucleotide variant.
Coding change: c.865G>A on transcript NM_024664.4 (MANE Select); coding-DNA position 865, G replaced by A.
Protein change: p.Val289Ile; replaces valine 289 with isoleucine.
Molecular consequence: missense variant. On other transcripts: intron variant (2).
Genome position (GRCh38, 1-based): chr1:42,459,855, G>A. VCF-style: chr1-42459855-G-A. GRCh37 (hg19) VCF-style: chr1-42925526-G-A.
Other names: c.346G>A, p.Val116Ile (NM_001077447.3, NM_001287506.1, NM_001287508.2 and 2 more transcripts); c.247G>A, p.Val83Ile (NM_001287507.1); c.-880+2505G>A (NM_001355226.2); c.612+2505G>A (NM_001287511.2); short protein forms V116I, V289I, V83I.
Identifiers: ClinVar variation 1435656 (VCV001435656.7), dbSNP rs182769462, ClinGen allele CA800088.